The following is an entry in ClinVar:

ClinVar aggregate classification (germline): Likely benign. Review status: criteria provided, multiple submitters, no conflicts (2 of 4 stars). 2 submissions from 2 submitters: Likely benign (2). Last evaluated 2025-06-12.

Conditions:
Tuberous sclerosis 2 (TSC2). Identifiers: Orphanet 805, MedGen C1860707, MONDO:0013199, OMIM 613254.

Allele frequency attached by ClinVar (database versions not stated): gnomAD exomes below 0.00001; gnomAD 0.00001; TOPMed 0.00001.
gnomAD v4.1: 4 of 1,609,568 alleles (0.00025%); highest among the groups gnomAD compares: Admixed American, 0.0017%; no homozygotes.

Submissions (2):

Labcorp Genetics (formerly Invitae), Labcorp
Classification: Likely benign for Tuberous sclerosis 2. Last evaluated: 2025-06-12. Review status: criteria provided, single submitter. Criteria: Invitae Variant Classification Sherloc (09022015). Collection method: clinical testing. Allele origin: germline.

Myriad Genetics, Inc.
Classification: Likely benign for Tuberous sclerosis 2. Last evaluated: 2025-06-05. Review status: criteria provided, single submitter. Criteria: Myriad Autosomal Dominant, Autosomal Recessive and X-Linked Classification Criteria (2023). Collection method: clinical testing. Allele origin: unknown.
Comment: This variant is considered likely benign. This variant is intronic and is not expected to impact mRNA splicing.

NM_000548.5(TSC2):c.4850-6C>T

Gene: TSC2 (TSC complex subunit 2; plus strand). Cytogenetic location: 16p13.3.
Variant type: single nucleotide variant.
Coding change: c.4850-6C>T on transcript NM_000548.5 (MANE Select); 6 bases into the intron before coding-DNA position 4850, C replaced by T.
Molecular consequence: intron variant.
Genome position (GRCh38, 1-based): chr16:2,086,726, C>T. VCF-style: chr16-2086726-C-T. GRCh37 (hg19) VCF-style: chr16-2136727-C-T.
Other names: c.4781-6C>T (NM_001114382.3); c.4721-6C>T (NM_021055.3, NM_001370405.1); c.4652-6C>T (NM_001363528.2); c.4718-6C>T (NM_001370404.1); c.4649-6C>T (NM_001077183.3); c.4541-6C>T (NM_001318827.2); c.4118-6C>T (NM_001318831.2); c.4505-6C>T (NM_001318829.2); and 1 more.
Identifiers: ClinVar variation 413620 (VCV000413620.13), dbSNP rs1060504082, ClinGen allele CA16615036.
Genomic context (GRCh38, chr16:2,086,726, plus strand): 5'-CCAGTGCAAGGCACAGAGGGCCTCAGCACTGGCCCCACAAACCCATCCGGCCCTGCTCAC[C>T]CTCAGCCGTCTTCCACATCGCCACCCTGATGCCCACCAAGGACGTGGACAAGCACCGCTG-3'